The following is an entry in ClinVar:

NM_001846.4(COL4A2):c.4292G>C (p.Arg1431Pro)

Genes: COL4A2-AS1 (COL4A2 antisense RNA 1; minus strand), COL4A2 (collagen type IV alpha 2 chain; plus strand). Cytogenetic location: 13q34.
Variant type: single nucleotide variant.
Coding change: c.4292G>C on transcript NM_001846.4 (MANE Select); coding-DNA position 4292, G replaced by C.
Protein change: p.Arg1431Pro; replaces arginine 1431 with proline.
Molecular consequence: missense variant.
Genome position (GRCh38, 1-based): chr13:110,504,154, G>C. VCF-style: chr13-110504154-G-C. GRCh37 (hg19) VCF-style: chr13-111156501-G-C.
Other names: short protein forms R1431P.
Identifiers: ClinVar variation 4767300 (VCV004767300.1).

ClinVar aggregate classification (germline): Uncertain significance (1 of 4 stars; one submission).

gnomAD v4.1: 1 of 1,614,088 alleles (0.000062%); highest among the groups gnomAD compares: Non-Finnish European, 0.000085%; no homozygotes.

Submission:

Labcorp Genetics (formerly Invitae), Labcorp
Classification: Uncertain significance. Last evaluated: 2025-06-30. Review status: criteria provided, single submitter. Criteria: Invitae Variant Classification Sherloc (09022015). Collection method: clinical testing. Allele origin: germline.
Comment: This sequence change replaces arginine, which is basic and polar, with proline, which is neutral and non-polar, at codon 1431 of the COL4A2 protein (p.Arg1431Pro). This variant is not present in population databases (gnomAD no frequency). This variant has not been reported in the literature in individuals affected with COL4A2-related conditions. Invitae Evidence Modeling of protein sequence and biophysical properties (such as structural, functional, and spatial information, amino acid conservation, physicochemical variation, residue mobility, and thermodynamic stability) indicates that this missense variant is not expected to disrupt COL4A2 protein function with a negative predictive value of 95%. In summary, the available evidence is currently insufficient to determine the role of this variant in disease. Therefore, it has been classified as a Variant of Uncertain Significance.